The following is an entry in ClinVar:

ClinVar aggregate classification (germline): Likely benign. Review status: criteria provided, multiple submitters, no conflicts (2 of 4 stars). 2 submissions from 2 submitters: Likely benign (2). Last evaluated 2018-01-13.

Conditions:
Congenital defect of folate absorption. Also called: Hereditary Folate Malabsorption. Identifiers: Orphanet 90045, MedGen C0342705, MONDO:0009238, OMIM 229050.

Allele frequency attached by ClinVar (database versions not stated): 1000 Genomes Project 0.00459; 1000 Genomes Project 30x 0.00484; gnomAD 0.01035 and 0.01065; TOPMed 0.01070; gnomAD exomes 0.01107.

Submissions (2):

Illumina Laboratory Services, Illumina
Classification: Likely benign for Congenital defect of folate absorption. Last evaluated: 2018-01-13. Review status: criteria provided, single submitter. Criteria: ICSL Variant Classification Criteria 13 December 2019. Collection method: clinical testing. Allele origin: germline.
Comment: This variant was observed in the ICSL laboratory as part of a predisposition screen in an ostensibly healthy population. It had not been previously curated by ICSL or reported in the Human Gene Mutation Database (HGMD: prior to June 1st, 2018), and was therefore a candidate for classification through an automated scoring system. Utilizing variant allele frequency, disease prevalence and penetrance estimates, and inheritance mode, an automated score was calculated to assess if this variant is too frequent to cause the disease. Based on the score and internal cut-off values, a variant classified as likely benign is not then subjected to further curation. The score for this variant resulted in a classification of likely benign for this disease.

Breakthrough Genomics
Classification: Likely benign. Review status: criteria provided, single submitter. Criteria: ACMG Guidelines, 2015. Collection method: not provided. Allele origin: germline. Inheritance: Autosomal recessive inheritance. Affected: yes.

NM_080669.6(SLC46A1):c.*4316C>G

Genes: SARM1 (sterile alpha and TIR motif containing 1; plus strand), SLC46A1 (solute carrier family 46 member 1; minus strand). Cytogenetic location: 17q11.2.
Variant type: single nucleotide variant.
Coding change: c.*4316C>G on transcript NM_080669.6 (MANE Select); 4316 bases downstream of the stop codon, C replaced by G.
Molecular consequence: 3 prime UTR variant. On other transcripts: intron variant (1).
Genome position (GRCh38, 1-based): chr17:28,395,340, G>C on the plus strand (C>G on the coding strand, the complement: SLC46A1 is on the minus strand). VCF-style: chr17-28395340-G-C. GRCh37 (hg19) VCF-style: chr17-26722359-G-C.
Other names: c.*4316C>G (NM_001242366.3); c.1924-565G>C (NM_015077.4).
Identifiers: ClinVar variation 322345 (VCV000322345.6), dbSNP rs117397871, ClinGen allele CA10645158.